The following is an entry in ClinVar:

NM_000057.4(BLM):c.1221-2A>G

Gene: BLM (BLM RecQ like helicase; plus strand). Cytogenetic location: 15q26.1.
Variant type: single nucleotide variant.
Coding change: c.1221-2A>G on transcript NM_000057.4 (MANE Select); the canonical splice acceptor site of the intron before coding-DNA position 1221, A replaced by G.
Molecular consequence: splice acceptor variant.
Genome position (GRCh38, 1-based): chr15:90,760,592, A>G. VCF-style: chr15-90760592-A-G. GRCh37 (hg19) VCF-style: chr15-91303822-A-G.
Other names: c.1221-2A>G (NM_001287246.2, NM_001287247.2); c.96-2A>G (NM_001287248.2).
Identifiers: ClinVar variation 4808290 (VCV004808290.1).

ClinVar aggregate classification (germline): Likely pathogenic (1 of 4 stars; one submission).

Conditions:
Bloom syndrome (BLM). Also called: Bloom-Torre-Machacek syndrome. Identifiers: Orphanet 125, MedGen C0005859, MONDO:0008876, OMIM 210900.

Submission:

Labcorp Genetics (formerly Invitae), Labcorp
Classification: Likely pathogenic for Bloom syndrome. Last evaluated: 2025-11-18. Review status: criteria provided, single submitter. Criteria: Invitae Variant Classification Sherloc (09022015). Collection method: clinical testing. Allele origin: germline.
Comment: This sequence change affects an acceptor splice site in intron 6 of the BLM gene. It is expected to disrupt RNA splicing. Variants that disrupt the donor or acceptor splice site typically lead to a loss of protein function (PMID: 16199547), and loss-of-function variants in BLM are known to be pathogenic (PMID: 17407155). This variant is not present in population databases (gnomAD no frequency). Disruption of this splice site has been observed in individual(s) with breast cancer (PMID: 32029870). Algorithms developed to predict the effect of sequence changes on RNA splicing suggest that this variant may disrupt the consensus splice site. In summary, the currently available evidence indicates that the variant is pathogenic, but additional data are needed to prove that conclusively. Therefore, this variant has been classified as Likely Pathogenic.

Literature cited by the submitters: PubMed 16199547; PubMed 17407155; PubMed 32029870.